The following is an entry in ClinVar:

NM_004655.4(AXIN2):c.57G>A (p.Glu19=)

Gene: AXIN2 (axin 2; minus strand). Cytogenetic location: 17q24.1.
Variant type: single nucleotide variant.
Coding change: c.57G>A on transcript NM_004655.4 (MANE Select); coding-DNA position 57, G replaced by A.
Protein change: p.Glu19=; no amino-acid change (glutamic acid 19 retained).
Molecular consequence: synonymous variant.
Genome position (GRCh38, 1-based): chr17:65,558,564, C>T on the plus strand (G>A on the coding strand, the complement: AXIN2 is on the minus strand). VCF-style: chr17-65558564-C-T. GRCh37 (hg19) VCF-style: chr17-63554682-C-T.
Other names: c.57G>A, p.Glu19= (NM_001363813.1); c.57G>A (NM_004655.3).
Identifiers: ClinVar variation 1147463 (VCV001147463.11), dbSNP rs2144591855, ClinGen allele CA501691690.
Genomic context (GRCh38, chr17:65,558,564, plus strand): 5'-CCCTGGCTGACACGGTGGGGTCTCCCCTTCTTCCCCTGGCACTGGGGGCCGCGGGGCATC[C>T]TCACGGAAGCTGCTGCTGGGGTCCGGGAGGCAAGTCACCAACATAGCGCTACTCATGGTG-3'
Protein context (NP_004646.3, residues 9-29): CLPDPSSSFR[Glu19=]DAPRPPVPGE

ClinVar aggregate classification (germline): Benign/Likely benign. Review status: criteria provided, multiple submitters, no conflicts (2 of 4 stars). 3 submissions from 3 submitters: Benign (1); Likely benign (2). Last evaluated 2026-02-07.

Conditions:
Hereditary cancer-predisposing syndrome. Also called: Neoplastic Syndromes, Hereditary; Tumor predisposition; Hereditary Cancer Syndrome; Hereditary neoplastic syndrome. Identifiers: Orphanet 140162, MedGen C0027672, MeSH D009386, MONDO:0015356.
Oligodontia-cancer predisposition syndrome. Also called: TOOTH AGENESIS-COLORECTAL CANCER SYNDROME. Identifiers: Orphanet 300576, MedGen C1837750, MONDO:0012075, OMIM 608615. Disease mechanism: loss of function.

Submissions (3):

Ambry Genetics
Classification: Likely benign for Hereditary cancer-predisposing syndrome. Last evaluated: 2026-02-07. Review status: criteria provided, single submitter. Criteria: Ambry Variant Classification Scheme 2023. Collection method: clinical testing. Allele origin: germline.

Labcorp Genetics (formerly Invitae), Labcorp
Classification: Likely benign for Oligodontia-cancer predisposition syndrome. Last evaluated: 2025-12-10. Review status: criteria provided, single submitter. Criteria: Invitae Variant Classification Sherloc (09022015). Collection method: clinical testing. Allele origin: germline.

Myriad Genetics, Inc.
Classification: Benign for Oligodontia-cancer predisposition syndrome. Last evaluated: 2024-06-25. Review status: criteria provided, single submitter. Criteria: Myriad Autosomal Dominant, Autosomal Recessive and X-Linked Classification Criteria (2023). Collection method: clinical testing. Allele origin: unknown.
Comment: This variant is considered benign. This variant is a silent/synonymous amino acid change and it is not expected to impact splicing.